The following is an entry in ClinVar:

NM_002529.4(NTRK1):c.1444A>T (p.Lys482Ter)

Gene: NTRK1 (neurotrophic receptor tyrosine kinase 1; plus strand). Cytogenetic location: 1q23.1.
Variant type: single nucleotide variant.
Coding change: c.1444A>T on transcript NM_002529.4 (MANE Select); coding-DNA position 1444, A replaced by T.
Protein change: p.Lys482Ter; replaces lysine 482 with a stop codon.
Molecular consequence: nonsense.
Genome position (GRCh38, 1-based): chr1:156,875,609, A>T. VCF-style: chr1-156875609-A-T. GRCh37 (hg19) VCF-style: chr1-156845401-A-T.
Other names: c.1336A>T, p.Lys446Ter (NM_001007792.1); c.1426A>T, p.Lys476Ter (NM_001012331.2); short protein forms K446*, K476*, K482*.
Identifiers: ClinVar variation 245653 (VCV000245653.4), dbSNP rs879253890, ClinGen allele CA10584140.

ClinVar aggregate classification (germline): Pathogenic. Review status: criteria provided, multiple submitters, no conflicts (2 of 4 stars). 2 submissions from 2 submitters: Pathogenic (2). Last evaluated 2024-03-17.

Conditions:
Hereditary insensitivity to pain with anhidrosis (CIPA). Also called: FAMILIAL DYSAUTONOMIA, TYPE II; NEUROPATHY, CONGENITAL SENSORY, WITH ANHIDROSIS; hereditary sensory and autonomic neuropathy type 4; HSAN Type IV; INSENSITIVITY TO PAIN, CONGENITAL, WITH ANHIDROSIS; NTRK1 Congenital Insensitivity to Pain with Anhidrosis. Identifiers: Orphanet 642, MedGen C0020074, MONDO:0009746, OMIM 256800.

Submissions (2):

Genomic Medicine Center of Excellence, King Faisal Specialist Hospital and Research Centre
Classification: Pathogenic for Hereditary insensitivity to pain with anhidrosis. Last evaluated: 2024-03-17. Review status: criteria provided, single submitter. Criteria: ACMG Guidelines, 2015. Collection method: research. Allele origin: germline.

GeneDx
Classification: Pathogenic. Last evaluated: 2016-10-24. Review status: criteria provided, single submitter. Criteria: GeneDx Variant Classification (06012015). Collection method: clinical testing. Allele origin: germline. Affected: yes.
Comment: The K476X nonsense variant is predicted to cause loss of normal protein function either through protein truncation or nonsense-mediated mRNA decay. It was not observed in approximately 6,500 individuals of European and African American ancestry in the NHLBI Exome Sequencing Project, indicating it is not a common benign variant in these populations Although this pathogenic variant has not been reported previously to our knowledge, many other loss-of-function variants have been reported in the Human Gene Mutation Database in association with NTRK1-related disorders (Stenson et al., 2014). Therefore, the result is expected to be consistent with a diagnosis of a NTRK1-related disorder